The following is an entry in ClinVar:

NM_005502.4(ABCA1):c.4426G>C (p.Val1476Leu)

Gene: ABCA1 (ATP binding cassette subfamily A member 1; minus strand). Cytogenetic location: 9q31.1.
Variant type: single nucleotide variant.
Coding change: c.4426G>C on transcript NM_005502.4 (MANE Select); coding-DNA position 4426, G replaced by C.
Protein change: p.Val1476Leu; replaces valine 1476 with leucine.
Molecular consequence: missense variant.
Genome position (GRCh38, 1-based): chr9:104,806,279, C>G on the plus strand (G>C on the coding strand, the complement: ABCA1 is on the minus strand). VCF-style: chr9-104806279-C-G. GRCh37 (hg19) VCF-style: chr9-107568560-C-G.
Other names: c.4426G>C (NM_005502.3); short protein forms V1476L.
Identifiers: ClinVar variation 1437582 (VCV001437582.8), dbSNP rs1164353101, ClinGen allele CA374315521.

ClinVar aggregate classification (germline): Uncertain significance. Review status: criteria provided, multiple submitters, no conflicts (2 of 4 stars). 2 submissions from 2 submitters: Uncertain significance (2). Last evaluated 2025-12-11.

Conditions:
Cardiovascular phenotype. Identifiers: MedGen CN230736.

gnomAD v4.1: 9 of 1,613,866 alleles (0.00056%); highest among the groups gnomAD compares: Non-Finnish European, 0.00076%; no homozygotes.

Submissions (2):

Ambry Genetics
Classification: Uncertain significance for Cardiovascular phenotype. Last evaluated: 2025-12-11. Review status: criteria provided, single submitter. Criteria: Ambry Variant Classification Scheme 2023. Collection method: clinical testing. Allele origin: germline.

Labcorp Genetics (formerly Invitae), Labcorp
Classification: Uncertain significance. Last evaluated: 2021-11-06. Review status: criteria provided, single submitter. Criteria: Invitae Variant Classification Sherloc (09022015). Collection method: clinical testing. Allele origin: germline.
Comment: This sequence change replaces valine, which is neutral and non-polar, with leucine, which is neutral and non-polar, at codon 1476 of the ABCA1 protein (p.Val1476Leu). This variant is not present in population databases (gnomAD no frequency). This variant has not been reported in the literature in individuals affected with ABCA1-related conditions. Advanced modeling of protein sequence and biophysical properties (such as structural, functional, and spatial information, amino acid conservation, physicochemical variation, residue mobility, and thermodynamic stability) performed at Invitae indicates that this missense variant is not expected to disrupt ABCA1 protein function. In summary, the available evidence is currently insufficient to determine the role of this variant in disease. Therefore, it has been classified as a Variant of Uncertain Significance.